The following is an entry in ClinVar:

NM_000371.4(TTR):c.13C>G (p.Arg5Gly)

Gene: TTR (transthyretin; plus strand). Cytogenetic location: 18q12.1.
Variant type: single nucleotide variant.
Coding change: c.13C>G on transcript NM_000371.4 (MANE Select); coding-DNA position 13, C replaced by G.
Protein change: p.Arg5Gly; replaces arginine 5 with glycine.
Molecular consequence: missense variant.
Genome position (GRCh38, 1-based): chr18:31,591,915, C>G. VCF-style: chr18-31591915-C-G. GRCh37 (hg19) VCF-style: chr18-29171878-C-G.
Other names: short protein forms R5G.
Identifiers: ClinVar variation 284011 (VCV000284011.13), dbSNP rs144792001, ClinGen allele CA10604660.

ClinVar aggregate classification (germline): Uncertain significance. Review status: criteria provided, multiple submitters, no conflicts (2 of 4 stars). 3 submissions from 3 submitters: Uncertain significance (3). Last evaluated 2026-03-24.

Conditions:
Cardiovascular phenotype. Identifiers: MedGen CN230736.
Amyloidosis, hereditary systemic 1 (AMYLD1). Also called: AMYLOID CARDIOMYOPATHY; Hereditary Transthyretin Amyloidosis; Isolated Cardiac Amyloidosis; Amyloid Cardiomyopathy, Transthyretin-related; Familial amyloid polyneuropathy; Transthyretin Amyloidosis. Identifiers: Orphanet 85447, Orphanet 85451, MedGen C2751492, MONDO:0971004, OMIM 105210.

gnomAD v4.1: 4 of 1,614,144 alleles (0.00025%); highest among the groups gnomAD compares: Non-Finnish European, 0.00025%; no homozygotes.

Submissions (3):

Ambry Genetics
Classification: Uncertain significance for Cardiovascular phenotype. Last evaluated: 2026-03-24. Review status: criteria provided, single submitter. Criteria: Ambry Variant Classification Scheme 2023. Collection method: clinical testing. Allele origin: germline.
Comment: The p.R5G variant (also known as c.13C>G), located in coding exon 1 of the TTR gene, results from a C to G substitution at nucleotide position 13. The arginine at codon 5 is replaced by glycine, an amino acid with dissimilar properties. This variant was reported in individual(s) with features consistent with hypertrophic cardiomyopathy (HCM) (Harper AR et al. Nat Genet, 2021 Feb;53:135-142). This amino acid position is poorly conserved in available vertebrate species. In addition, the in silico prediction for this alteration is inconclusive. Based on the available evidence, the clinical significance of this variant remains unclear.

Labcorp Genetics (formerly Invitae), Labcorp
Classification: Uncertain significance for Amyloidosis, hereditary systemic 1. Last evaluated: 2024-09-06. Review status: criteria provided, single submitter. Criteria: Invitae Variant Classification Sherloc (09022015). Collection method: clinical testing. Allele origin: germline.
Comment: This sequence change replaces arginine, which is basic and polar, with glycine, which is neutral and non-polar, at codon 5 of the TTR protein (p.Arg5Gly). This variant is not present in population databases (gnomAD no frequency). This variant has not been reported in the literature in individuals affected with TTR-related conditions. ClinVar contains an entry for this variant (Variation ID: 284011). An algorithm developed to predict the effect of missense changes on protein structure and function (PolyPhen-2) suggests that this variant is likely to be tolerated. Algorithms developed to predict the effect of sequence changes on RNA splicing suggest that this variant may disrupt the consensus splice site. In summary, the available evidence is currently insufficient to determine the role of this variant in disease. Therefore, it has been classified as a Variant of Uncertain Significance.

Eurofins Ntd Llc (ga)
Classification: Uncertain significance. Last evaluated: 2015-10-21. Review status: criteria provided, single submitter. Criteria: EGL Classification Definitions 2015. Collection method: clinical testing. Allele origin: germline. Observed: 1 variant allele, 1 heterozygote.

Literature cited by the submitters: PubMed 33495597 (cited by Ambry Genetics).